The following is an entry in ClinVar:

NM_005560.6(LAMA5):c.667G>A (p.Val223Met)

Gene: LAMA5 (laminin subunit alpha 5; minus strand). Cytogenetic location: 20q13.33.
Variant type: single nucleotide variant.
Coding change: c.667G>A on transcript NM_005560.6 (MANE Select); coding-DNA position 667, G replaced by A.
Protein change: p.Val223Met; replaces valine 223 with methionine.
Molecular consequence: missense variant.
Genome position (GRCh38, 1-based): chr20:62,352,262, C>T on the plus strand (G>A on the coding strand, the complement: LAMA5 is on the minus strand). VCF-style: chr20-62352262-C-T. GRCh37 (hg19) VCF-style: chr20-60927318-C-T.
Other names: short protein forms V223M.
Identifiers: ClinVar variation 1499254 (VCV001499254.6), dbSNP rs144181548, ClinGen allele CA9944354.

ClinVar aggregate classification (germline): Uncertain significance (1 of 4 stars; one submission).

Allele frequency attached by ClinVar (database versions not stated): gnomAD exomes 0.00001; ExAC 0.00003; gnomAD 0.00003; TOPMed 0.00003.
gnomAD v4.1: 24 of 1,599,496 alleles (0.0015%); highest among the groups gnomAD compares: Admixed American, 0.0067%; no homozygotes.

Submission:

Labcorp Genetics (formerly Invitae), Labcorp
Classification: Uncertain significance. Last evaluated: 2025-06-24. Review status: criteria provided, single submitter. Criteria: Invitae Variant Classification Sherloc (09022015). Collection method: clinical testing. Allele origin: germline.
Comment: This sequence change replaces valine, which is neutral and non-polar, with methionine, which is neutral and non-polar, at codon 223 of the LAMA5 protein (p.Val223Met). This variant is present in population databases (rs144181548, gnomAD 0.01%). This variant has not been reported in the literature in individuals affected with LAMA5-related conditions. ClinVar contains an entry for this variant (Variation ID: 1499254). An algorithm developed to predict the effect of missense changes on protein structure and function (PolyPhen-2) suggests that this variant is likely to be disruptive. In summary, the available evidence is currently insufficient to determine the role of this variant in disease. Therefore, it has been classified as a Variant of Uncertain Significance.